The following is an entry in ClinVar:

NM_001276270.2(MBD4):c.739_740inv (p.Lys247Leu)

Gene: MBD4 (methyl-CpG binding domain 4, DNA glycosylase; minus strand). Cytogenetic location: 3q21.3.
Variant type: Inversion.
Coding change: c.739_740inv on transcript NM_001276270.2 (MANE Select).
Protein change: p.Lys247Leu; replaces lysine 247 with leucine.
Molecular consequence: missense variant. On other transcripts: intron variant (1).
Genome position: GRCh38 VCF-style: chr3-129436904-TT-AA. GRCh37 (hg19) VCF-style: chr3-129155747-TT-AA.
Other names: c.739_740inv, p.Lys247Leu (NM_001276271.2, NM_001276272.2, NM_003925.3); c.247+903_247+904inv (NM_001276273.2); short protein forms K247L.
Identifiers: ClinVar variation 3652085 (VCV003652085.2).
Genomic context (GRCh38, chr3:129,436,904, plus strand): 5'-ACAGATTCTCTTTTGCTATCACTTTGAACAAAACCTGAACAGCTCTTCCTACATCCTTTT[TT>AA]AGTTTTCTTAATTGGGATTCCTTTCAAAATAGTCACCTTTCCTTTGGGCTTTCTAACCTT-3'
Protein context (NP_001263199.1, residues 237-257): ILKGIPIKKT[Lys247Leu]KGCRKSCSGF

ClinVar aggregate classification (germline): Uncertain significance (1 of 4 stars; one submission).

Submission:

Labcorp Genetics (formerly Invitae), Labcorp
Classification: Uncertain significance. Last evaluated: 2024-05-04. Review status: criteria provided, single submitter. Criteria: Invitae Variant Classification Sherloc (09022015). Collection method: clinical testing. Allele origin: germline.
Comment: This sequence change replaces lysine, which is basic and polar, with leucine, which is neutral and non-polar, at codon 247 of the MBD4 protein (p.Lys247Leu). Information on the frequency of this variant in the gnomAD database is not available, as this variant may be reported differently in the database. This variant has not been reported in the literature in individuals affected with MBD4-related conditions. An algorithm developed to predict the effect of missense changes on protein structure and function (PolyPhen-2) suggests that this variant is likely to be disruptive. In summary, the available evidence is currently insufficient to determine the role of this variant in disease. Therefore, it has been classified as a Variant of Uncertain Significance.